The following is an entry in ClinVar:

ClinVar aggregate classification (germline): Pathogenic. Review status: criteria provided, multiple submitters, no conflicts (2 of 4 stars). 2 submissions from 2 submitters: Pathogenic (2). Last evaluated 2024-07-10.

Conditions:
RPGRIP1-related disorder. Also called: RPGRIP1-related condition.
Cone-rod dystrophy 13 (CORD13). Identifiers: Orphanet 1872, MedGen C2750720, MONDO:0011987, OMIM 608194.
Leber congenital amaurosis 6 (LCA6). Identifiers: Orphanet 65, MedGen C1854260, MONDO:0013446, OMIM 613826.

Allele frequency attached by ClinVar (database versions not stated): ExAC 0.00002; gnomAD exomes 0.00002; TOPMed 0.00002.
gnomAD v4.1: 7 of 1,613,460 alleles (0.00043%); highest among the groups gnomAD compares: Admixed American, 0.01%; no homozygotes.

Submissions (2):

Labcorp Genetics (formerly Invitae), Labcorp
Classification: Pathogenic for Leber congenital amaurosis 6; Cone-rod dystrophy 13. Last evaluated: 2024-07-10. Review status: criteria provided, single submitter. Criteria: Invitae Variant Classification Sherloc (09022015). Collection method: clinical testing. Allele origin: germline.
Comment: This sequence change affects an acceptor splice site in intron 16 of the RPGRIP1 gene. It is expected to disrupt RNA splicing. Variants that disrupt the donor or acceptor splice site typically lead to a loss of protein function (PMID: 16199547), and loss-of-function variants in RPGRIP1 are known to be pathogenic (PMID: 11528500, 23105016). This variant is present in population databases (rs766443371, gnomAD 0.02%). Disruption of this splice site has been observed in individuals with clinical features of Leber congenital amaurosis (Invitae). ClinVar contains an entry for this variant (Variation ID: 964341). Algorithms developed to predict the effect of sequence changes on RNA splicing suggest that this variant may disrupt the consensus splice site. For these reasons, this variant has been classified as Pathogenic.

Blueprint Genetics
Classification: Pathogenic for RPGRIP1-related disorders. Last evaluated: 2022-11-16. Review status: criteria provided, single submitter. Criteria: ACMG Guidelines, 2015. Collection method: clinical testing. Allele origin: germline. Affected: yes. Observed: 3 variant alleles.

Literature cited by the submitters: PubMed 16199547 (cited by Labcorp Genetics (formerly Invitae), Labcorp); PubMed 11528500 (cited by Labcorp Genetics (formerly Invitae), Labcorp); PubMed 23105016 (cited by Labcorp Genetics (formerly Invitae), Labcorp).

NM_020366.4(RPGRIP1):c.2711-2A>G

Gene: RPGRIP1 (RPGR interacting protein 1; plus strand). Cytogenetic location: 14q11.2.
Variant type: single nucleotide variant.
Coding change: c.2711-2A>G on transcript NM_020366.4 (MANE Select); the canonical splice acceptor site of the intron before coding-DNA position 2711, A replaced by G.
Molecular consequence: splice acceptor variant.
Genome position (GRCh38, 1-based): chr14:21,327,621, A>G. VCF-style: chr14-21327621-A-G. GRCh37 (hg19) VCF-style: chr14-21795780-A-G.
Other names: c.1637-2A>G (NM_001377948.1); c.797-2A>G (NM_001377949.1); c.689-2A>G (NM_001377523.1, NM_001377950.1); c.191-2A>G (NM_001377951.1).
Identifiers: ClinVar variation 964341 (VCV000964341.9), dbSNP rs766443371, ClinGen allele CA7089334.